The following is an entry in ClinVar:

NM_005585.5(SMAD6):c.485G>T (p.Arg162Leu)

Gene: SMAD6 (SMAD family member 6; plus strand). Cytogenetic location: 15q22.31.
Variant type: single nucleotide variant.
Coding change: c.485G>T on transcript NM_005585.5 (MANE Select); coding-DNA position 485, G replaced by T.
Protein change: p.Arg162Leu; replaces arginine 162 with leucine.
Molecular consequence: missense variant. On other transcripts: non-coding transcript variant (1).
Genome position (GRCh38, 1-based): chr15:66,703,743, G>T. VCF-style: chr15-66703743-G-T. GRCh37 (hg19) VCF-style: chr15-66996081-G-T.
Other names: short protein forms R162L.
Identifiers: ClinVar variation 2069836 (VCV002069836.4), dbSNP rs756457521, ClinGen allele CA392949647.

ClinVar aggregate classification (germline): Uncertain significance (1 of 4 stars; one submission).

Conditions:
Aortic valve disease 2 (AOVD2). Identifiers: MedGen C3542024, MONDO:0013902, OMIM 614823.

gnomAD v4.1: 2 of 1,381,688 alleles (0.00014%); highest among the groups gnomAD compares: East Asian, 0.0034%; no homozygotes.

Submission:

Labcorp Genetics (formerly Invitae), Labcorp
Classification: Uncertain significance for Aortic valve disease 2. Last evaluated: 2022-05-25. Review status: criteria provided, single submitter. Criteria: Invitae Variant Classification Sherloc (09022015). Collection method: clinical testing. Allele origin: germline.
Comment: In summary, the available evidence is currently insufficient to determine the role of this variant in disease. Therefore, it has been classified as a Variant of Uncertain Significance. Algorithms developed to predict the effect of missense changes on protein structure and function are either unavailable or do not agree on the potential impact of this missense change (SIFT: "Deleterious"; PolyPhen-2: "Benign"; Align-GVGD: "Class C0"). This variant has not been reported in the literature in individuals affected with SMAD6-related conditions. This variant is not present in population databases (gnomAD no frequency). This sequence change replaces arginine, which is basic and polar, with leucine, which is neutral and non-polar, at codon 162 of the SMAD6 protein (p.Arg162Leu).